The following is an entry in ClinVar:

NM_000238.4(KCNH2):c.2692+5G>T

Gene: KCNH2 (potassium voltage-gated channel subfamily H member 2; minus strand). Cytogenetic location: 7q36.1.
Variant type: single nucleotide variant.
Coding change: c.2692+5G>T on transcript NM_000238.4 (MANE Select); 5 bases into the intron after coding-DNA position 2692, G replaced by T.
Molecular consequence: intron variant.
Genome position (GRCh38, 1-based): chr7:150,948,439, C>A on the plus strand (G>T on the coding strand, the complement: KCNH2 is on the minus strand). VCF-style: chr7-150948439-C-A. GRCh37 (hg19) VCF-style: chr7-150645527-C-A.
Other names: c.1672+5G>T (NM_172057.3).
Identifiers: ClinVar variation 387850 (VCV000387850.2), dbSNP rs1057522921, ClinGen allele CA16605725.

ClinVar aggregate classification (germline): Likely pathogenic (1 of 4 stars; one submission).

Submission:

GeneDx
Classification: Likely pathogenic. Last evaluated: 2016-07-18. Review status: criteria provided, single submitter. Criteria: GeneDx Variant Classification (06012015). Collection method: clinical testing. Allele origin: germline. Affected: yes.
Comment: The c.2692+5 G>T variant has not been reported as a pathogenic variant or as a benign variant to our knowledge. In silico splice site analysis algorithms predict that this variant destroys the natural splice donor site of intron 11, which may cause abnormal gene splicing. This variant may lead to either an abnormal message that is subject to nonsense-mediated mRNA decay, or to an abnormal protein product if the message is used for protein translation. However, in the absence of functional mRNA studies, the physiological consequence of this variant cannot be precisely determined. The c.2692+5 G>T variant occurs at a nucleotide that is conserved across species. Multiple downstream truncating variants in the KCNH2 gene have been reported in HGMD in association with LQTS (Stenson et al., 2014). Furthermore, the c.2692+5 G>T variant was not observed in approximately 6,500 individuals of European and African American ancestry in the NHLBI Exome Sequencing Project, indicating it is not a common benign variant in these populations.Therefore, this variant is a strong candidate for a pathogenic variant, however the possibility that it is a benign variant cannot be excluded.